The following is an entry in ClinVar:

NM_001365276.2(TNXB):c.3596G>A (p.Arg1199Gln)

Gene: TNXB (tenascin XB; minus strand). Cytogenetic location: 6p21.33.
Variant type: single nucleotide variant.
Coding change: c.3596G>A on transcript NM_001365276.2 (MANE Select); coding-DNA position 3596, G replaced by A.
Protein change: p.Arg1199Gln; replaces arginine 1199 with glutamine.
Molecular consequence: missense variant.
Genome position (GRCh38, 1-based): chr6:32,082,176, C>T on the plus strand (G>A on the coding strand, the complement: TNXB is on the minus strand). VCF-style: chr6-32082176-C-T. GRCh37 (hg19) VCF-style: chr6-32049953-C-T.
Other names: c.4337G>A, p.Arg1446Gln (NM_001428335.1); c.3596G>A, p.Arg1199Gln (NM_019105.8); short protein forms R1199Q, R1446Q.
Identifiers: ClinVar variation 3180917 (VCV003180917.3), dbSNP rs1349800834, ClinGen allele CA363437343.
Genomic context (GRCh38, chr6:32,082,176, plus strand): 5'-GGGTCCAGTGAGGAGACAACAAATGAACGCTCGGGCCCTTCCACAGGTACCACCTGGGGC[C>T]GTCCATCCCTGTCCCTGTACTGGACCATGAAGGTGTCAAACTGGCCCTCAGGGACAGTCC-3'
Protein context (NP_001352205.1, residues 1189-1209): FMVQYRDRDG[Arg1199Gln]PQVVPVEGPE

ClinVar aggregate classification (germline): Conflicting classifications of pathogenicity. Review status: criteria provided, conflicting classifications (1 of 4 stars). 2 submissions from 2 submitters: Uncertain significance (1); Likely benign (1). Last evaluated 2025-05-22.

Conditions:
Cardiovascular phenotype. Identifiers: MedGen CN230736.

Allele frequency attached by ClinVar (database versions not stated): gnomAD exomes 0.00001; TOPMed 0.00002; gnomAD 0.00001.
gnomAD v4.1: 22 of 1,612,418 alleles (0.0014%); highest among the groups gnomAD compares: East Asian, 0.0022%; no homozygotes.

Submissions (2):

GeneDx
Classification: Uncertain significance. Last evaluated: 2025-05-22. Review status: criteria provided, single submitter. Criteria: GeneDx Variant Classification Process June 2021. Collection method: clinical testing. Allele origin: germline. Affected: yes.
Comment: Not observed at significant frequency in large population cohorts (gnomAD); In silico analysis suggests that this missense variant does not alter protein structure/function; Has not been previously published as pathogenic or benign to our knowledge

Ambry Genetics
Classification: Likely benign for Cardiovascular phenotype. Last evaluated: 2024-05-30. Review status: criteria provided, single submitter. Criteria: Ambry Variant Classification Scheme 2023. Collection method: clinical testing. Allele origin: germline.